The following is an entry in ClinVar:

ClinVar aggregate classification (germline): Uncertain significance (1 of 4 stars; one submission).

Conditions:
Arrhythmogenic right ventricular dysplasia 12. Also called: ARRHYTHMOGENIC RIGHT VENTRICULAR DYSPLASIA, FAMILIAL, 12. Identifiers: MedGen C1969081, MONDO:0012684, OMIM 611528.
Naxos disease (NXD). Also called: WOOLLY HAIR, PALMOPLANTAR KERATODERMA, AND CARDIAC ABNORMALITIES; CARDIOMYOPATHY, ARRHYTHMOGENIC RIGHT VENTRICULAR, WITH SKIN, HAIR, AND NAIL ABNORMALITIES; KERATOSIS PALMOPLANTARIS WITH ARRHYTHMOGENIC CARDIOMYOPATHY; MAL DE NAXOS; PALMOPLANTAR KERATODERMA WITH ARRHYTHMOGENIC RIGHT VENTRICULAR CARDIOMYOPATHY AND WOOLLY HAIR. Identifiers: Orphanet 34217, MedGen C1832600, MONDO:0011017, OMIM 601214.

Submission:

Labcorp Genetics (formerly Invitae), Labcorp
Classification: Uncertain significance for Arrhythmogenic right ventricular dysplasia 12; Naxos disease. Last evaluated: 2023-10-03. Review status: criteria provided, single submitter. Criteria: Invitae Variant Classification Sherloc (09022015). Collection method: clinical testing. Allele origin: germline.
Comment: This sequence change replaces leucine, which is neutral and non-polar, with phenylalanine, which is neutral and non-polar, at codon 478 of the JUP protein (p.Leu478Phe). This variant is not present in population databases (gnomAD no frequency). This variant has not been reported in the literature in individuals affected with JUP-related conditions. An algorithm developed to predict the effect of missense changes on protein structure and function (PolyPhen-2) suggests that this variant is likely to be tolerated. In summary, the available evidence is currently insufficient to determine the role of this variant in disease. Therefore, it has been classified as a Variant of Uncertain Significance.

NM_002230.4(JUP):c.1432C>T (p.Leu478Phe)

Gene: JUP (junction plakoglobin; minus strand). Cytogenetic location: 17q21.2.
Variant type: single nucleotide variant.
Coding change: c.1432C>T on transcript NM_002230.4 (MANE Select); coding-DNA position 1432, C replaced by T.
Protein change: p.Leu478Phe; replaces leucine 478 with phenylalanine.
Molecular consequence: missense variant.
Genome position (GRCh38, 1-based): chr17:41,763,048, G>A on the plus strand (C>T on the coding strand, the complement: JUP is on the minus strand). VCF-style: chr17-41763048-G-A. GRCh37 (hg19) VCF-style: chr17-39919300-G-A.
Other names: c.1432C>T, p.Leu478Phe (NM_001352773.2, NM_001352774.2, NM_001352775.2 and 3 more transcripts); short protein forms L478F.
Identifiers: ClinVar variation 2952427 (VCV002952427.3), dbSNP rs2544106424, ClinGen allele CA399496397.